The following is an entry in ClinVar:

ClinVar aggregate classification (germline): Pathogenic (1 of 4 stars; one submission).

Conditions:
Hereditary insensitivity to pain with anhidrosis (CIPA). Also called: NTRK1 Congenital Insensitivity to Pain with Anhidrosis; NEUROPATHY, CONGENITAL SENSORY, WITH ANHIDROSIS; hereditary sensory and autonomic neuropathy type 4; FAMILIAL DYSAUTONOMIA, TYPE II; INSENSITIVITY TO PAIN, CONGENITAL, WITH ANHIDROSIS; HSAN Type IV. Identifiers: Orphanet 642, MedGen C0020074, MONDO:0009746, OMIM 256800.

Submission:

Labcorp Genetics (formerly Invitae), Labcorp
Classification: Pathogenic for Hereditary insensitivity to pain with anhidrosis. Last evaluated: 2024-01-04. Review status: criteria provided, single submitter. Criteria: Invitae Variant Classification Sherloc (09022015). Collection method: clinical testing. Allele origin: germline.
Comment: This sequence change creates a premature translational stop signal (p.Leu595Profs*7) in the NTRK1 gene. It is expected to result in an absent or disrupted protein product. Loss-of-function variants in NTRK1 are known to be pathogenic (PMID: 10982191). This variant is present in population databases (rs777422547, gnomAD 0.0009%). This variant has not been reported in the literature in individuals affected with NTRK1-related conditions. For these reasons, this variant has been classified as Pathogenic.

Literature cited by the submitters: PubMed 10982191.

NM_002529.4(NTRK1):c.1801dup (p.Leu601fs)

Gene: NTRK1 (neurotrophic receptor tyrosine kinase 1; plus strand). Cytogenetic location: 1q23.1.
Variant type: Duplication.
Coding change: c.1801dup on transcript NM_002529.4 (MANE Select); coding-DNA position 1801, one base duplicated (C; older notation c.1801dupC).
Protein change: p.Leu601fs; shifts the reading frame from leucine 601.
Molecular consequence: frameshift variant.
Genome position (GRCh38, 1-based): chr1:156,876,568, C duplicated; the last of 2 consecutive C bases (chr1:156,876,567-156,876,568); duplicating either gives the same sequence. VCF-style (leftmost placement, unchanged base first): chr1-156876566-T-TC. GRCh37 (hg19) VCF-style: chr1-156846358-T-TC.
Other names: c.1801dup, p.Leu601Profs (NM_001007204.1); c.1693dup, p.Leu565fs (NM_001007792.1); c.1783dup, p.Leu595fs (NM_001012331.2); short protein forms L595fs, L601fs, L565fs.
Identifiers: ClinVar variation 2992415 (VCV002992415.3), dbSNP rs777422547, ClinGen allele CA1169471.
Genomic context (GRCh38, chr1:156,876,566, plus strand): 5'-CCGAGGGCCGCCCCCTGCTCATGGTCTTTGAGTATATGCGGCACGGGGACCTCAACCGCT[T>TC]CCTCCGGTACCAGCACCTGGCCTCAGCGCTGGCCCCGGCCCCTGGCTCTGGGCCCCGTCT-3'